The following is an entry in ClinVar:

NM_000038.6(APC):c.797T>C (p.Val266Ala)

Gene: APC (APC regulator of Wnt signaling pathway; plus strand). Cytogenetic location: 5q22.2.
Variant type: single nucleotide variant.
Coding change: c.797T>C on transcript NM_000038.6 (MANE Select); coding-DNA position 797, T replaced by C.
Protein change: p.Val266Ala; replaces valine 266 with alanine.
Molecular consequence: missense variant. On other transcripts: 5 prime UTR variant (1).
Genome position (GRCh38, 1-based): chr5:112,801,346, T>C. VCF-style: chr5-112801346-T-C. GRCh37 (hg19) VCF-style: chr5-112137043-T-C.
Other names: c.797T>C, p.Val266Ala (NM_001127510.3, NM_001354895.2, NM_001354896.2 and 1 more transcripts); c.743T>C, p.Val248Ala (NM_001127511.3); c.827T>C, p.Val276Ala (NM_001354897.2, NM_001354902.2); c.722T>C, p.Val241Ala (NM_001354898.2, NM_001354904.2); c.713T>C, p.Val238Ala (NM_001354899.2); c.620T>C, p.Val207Ala (NM_001354900.2, NM_001354901.2, NM_001354905.2); c.-239T>C (NM_001354906.2); short protein forms V207A, V238A, V241A, V248A, V266A, V276A.
Identifiers: ClinVar variation 1331891 (VCV001331891.16), dbSNP rs2149712141, ClinGen allele CA16023074.

ClinVar aggregate classification (germline): Uncertain significance. Review status: criteria provided, multiple submitters, no conflicts (2 of 4 stars). 5 submissions from 5 submitters: Uncertain significance (5). Last evaluated 2024-08-27.

Conditions:
Familial adenomatous polyposis 1 (FAP1). Also called: POLYPOSIS, ADENOMATOUS INTESTINAL; FAMILIAL ADENOMATOUS POLYPOSIS 1, ATTENUATED. Identifiers: MedGen C2713442, MONDO:0021056, OMIM 175100. Disease mechanism: loss of function.
Hereditary cancer-predisposing syndrome. Also called: Tumor predisposition; Hereditary Cancer Syndrome; Neoplastic Syndromes, Hereditary; Hereditary neoplastic syndrome. Identifiers: Orphanet 140162, MedGen C0027672, MeSH D009386, MONDO:0015356.

Submissions (5):

Labcorp Genetics (formerly Invitae), Labcorp
Classification: Uncertain significance for Familial adenomatous polyposis 1. Last evaluated: 2024-08-27. Review status: criteria provided, single submitter. Criteria: Invitae Variant Classification Sherloc (09022015). Collection method: clinical testing. Allele origin: germline.
Comment: This sequence change replaces valine, which is neutral and non-polar, with alanine, which is neutral and non-polar, at codon 266 of the APC protein (p.Val266Ala). This variant is not present in population databases (gnomAD no frequency). This variant has not been reported in the literature in individuals affected with APC-related conditions. ClinVar contains an entry for this variant (Variation ID: 1331891). Invitae Evidence Modeling of protein sequence and biophysical properties (such as structural, functional, and spatial information, amino acid conservation, physicochemical variation, residue mobility, and thermodynamic stability) indicates that this missense variant is not expected to disrupt APC protein function with a negative predictive value of 95%. In summary, the available evidence is currently insufficient to determine the role of this variant in disease. Therefore, it has been classified as a Variant of Uncertain Significance.

GeneDx
Classification: Uncertain significance. Last evaluated: 2024-03-25. Review status: criteria provided, single submitter. Criteria: GeneDx Variant Classification Process June 2021. Collection method: clinical testing. Allele origin: germline. Affected: yes.
Comment: Not observed at significant frequency in large population cohorts (gnomAD); In silico analysis supports that this missense variant does not alter protein structure/function; Has not been previously published as pathogenic or benign to our knowledge

Ambry Genetics
Classification: Uncertain significance for Hereditary cancer-predisposing syndrome. Last evaluated: 2024-03-17. Review status: criteria provided, single submitter. Criteria: Ambry Variant Classification Scheme 2023. Collection method: clinical testing. Allele origin: germline.
Comment: The p.V266A variant (also known as c.797T>C), located in coding exon 7 of the APC gene, results from a T to C substitution at nucleotide position 797. The valine at codon 266 is replaced by alanine, an amino acid with similar properties. This amino acid position is poorly conserved in available vertebrate species. In addition, in silico predictors for this gene do not accurately predict pathogenicity. Since supporting evidence is limited at this time, the clinical significance of this alteration remains unclear.

Color Diagnostics, LLC DBA Color Health
Classification: Uncertain significance for Hereditary cancer-predisposing syndrome. Last evaluated: 2024-03-06. Review status: criteria provided, single submitter. Criteria: ACMG Guidelines, 2015. Collection method: clinical testing. Allele origin: germline.
Comment: This missense variant replaces valine with alanine at codon 266 of the APC protein. Computational prediction suggests that this variant may not impact protein structure and function (internally defined REVEL score threshold <= 0.5, PMID: 27666373). To our knowledge, functional studies have not been reported for this variant. This variant has not been reported in individuals affected with hereditary cancer in the literature. This variant has not been identified in the general population by the Genome Aggregation Database (gnomAD). The available evidence is insufficient to determine the role of this variant in disease conclusively. Therefore, this variant is classified as a Variant of Uncertain Significance.

Baylor Genetics
Classification: Uncertain significance for Familial adenomatous polyposis 1. Last evaluated: 2023-12-07. Review status: criteria provided, single submitter. Criteria: ACMG Guidelines, 2015. Collection method: clinical testing. Allele origin: unknown.